The following is an entry in ClinVar:

NM_000540.3(RYR1):c.15015G>A (p.Thr5005=)

Gene: RYR1 (ryanodine receptor 1; plus strand). Cytogenetic location: 19q13.2.
Variant type: single nucleotide variant.
Coding change: c.15015G>A on transcript NM_000540.3 (MANE Select); coding-DNA position 15015, G replaced by A.
Protein change: p.Thr5005=; no amino-acid change (threonine 5005 retained).
Molecular consequence: synonymous variant.
Genome position (GRCh38, 1-based): chr19:38,586,570, G>A. VCF-style: chr19-38586570-G-A. GRCh37 (hg19) VCF-style: chr19-39077210-G-A.
Other names: c.15000G>A, p.Thr5000= (NM_001042723.2).
Identifiers: ClinVar variation 256454 (VCV000256454.24), dbSNP rs2229149, ClinGen allele CA061956.

ClinVar aggregate classification (germline): Conflicting classifications of pathogenicity. Review status: criteria provided, conflicting classifications (1 of 4 stars). 9 submissions from 8 submitters: Uncertain significance (3); Benign (1); Likely benign (5). Last evaluated 2025-12-20.

Conditions:
RYR1-related disorder. Also called: RYR1-related condition; RYR1-related disorders. Identifiers: MedGen CN239331.
Central core myopathy (CMYO1A). Also called: CONGENITAL MYOPATHY 1A, AUTOSOMAL DOMINANT, WITH SUSCEPTIBILITY TO MALIGNANT HYPERTHERMIA; Central core disease; Myopathy, central fibrillar. Identifiers: Orphanet 597, MedGen C5830701, MONDO:0007294, OMIM 117000.
Malignant hyperthermia, susceptibility to, 1 (MHS1). Also called: RYR1-Related Malignant Hyperthermia Susceptibility; Anesthesia related hyperthermia; Malignant hyperpyrexia; Fulminating hyperpyrexia; Pharmacogenic myopathy; Malignant hyperthermia suceptibility 1. Identifiers: Orphanet 423, MedGen C2930980, MONDO:0007783, OMIM 145600.
Congenital multicore myopathy with external ophthalmoplegia (CMYO1B). Also called: Congenital myopathy 1B, autosomal recessive; Minicore myopathy; MULTICORE MYOPATHY; Minicore myopathy with external ophthalmoplegia; MULTIMINICORE DISEASE WITH EXTERNAL OPHTHALMOPLEGIA. Identifiers: Orphanet 598, Orphanet 98905, MedGen C1850674, MONDO:0009712, OMIM 255320, HP:0003789.

Allele frequency attached by ClinVar (database versions not stated): 1000 Genomes Project 30x 0.00031; 1000 Genomes Project 0.00040; gnomAD 0.00009 and 0.00014; TOPMed 0.00017.
gnomAD v4.1: 116 of 1,614,134 alleles (0.0072%); highest among the groups gnomAD compares: East Asian, 0.2%; 1 homozygote.

Submissions (9):

Labcorp Genetics (formerly Invitae), Labcorp
Classification: Benign for RYR1-related disorder. Last evaluated: 2025-12-20. Review status: criteria provided, single submitter. Criteria: Invitae Variant Classification Sherloc (09022015). Collection method: clinical testing. Allele origin: germline.

Blueprint Genetics
Classification: Likely benign. Last evaluated: 2024-11-15. Review status: criteria provided, single submitter. Criteria: ACMG Guidelines, 2015. Collection method: clinical testing. Allele origin: germline.

All of Us Research Program, National Institutes of Health
Classification: Likely benign for Malignant hyperthermia, susceptibility to, 1. Last evaluated: 2024-08-13. Review status: criteria provided, single submitter. Criteria: ACMG Guidelines, 2015. Collection method: clinical testing. Allele origin: germline. Inheritance: Autosomal dominant inheritance. Observed: 21 variant alleles, 21 heterozygotes.
Comment: This study involves interpretation of variants in research participants for the purpose of population health screening. Participant phenotype was not available at the time of variant classification. Additional details can be found in publication PMID: 35346344, PMCID: PMC8962531

GeneDx
Classification: Uncertain significance. Last evaluated: 2023-06-08. Review status: criteria provided, single submitter. Criteria: GeneDx Variant Classification Process June 2021. Collection method: clinical testing. Allele origin: germline. Affected: yes.
Comment: Has not been previously published as pathogenic or benign to our knowledge; In silico analysis suggests this variant may impact gene splicing. In the absence of RNA/functional studies, the actual effect of this sequence change is unknown.

Color Diagnostics, LLC DBA Color Health
Classification: Likely benign for Malignant hyperthermia, susceptibility to, 1. Last evaluated: 2022-05-03. Review status: criteria provided, single submitter. Criteria: ACMG Guidelines, 2015. Collection method: clinical testing. Allele origin: germline.

Baylor Genetics
Classification: Uncertain significance for Central core myopathy. Last evaluated: 2018-02-19. Review status: criteria provided, single submitter. Criteria: ACMG Guidelines, 2015. Collection method: clinical testing. Allele origin: paternal. Affected: yes.
Comment: This variant was determined to be of uncertain significance according to ACMG Guidelines, 2015 [PMID:25741868].

Illumina Laboratory Services, Illumina
Classification: Likely benign for Malignant hyperthermia, susceptibility to, 1. Last evaluated: 2018-01-12. Review status: criteria provided, single submitter. Criteria: ICSL Variant Classification Criteria 13 December 2019. Collection method: clinical testing. Allele origin: germline.
Comment: This variant was observed in the ICSL laboratory as part of a predisposition screen in an ostensibly healthy population. It had not been previously curated by ICSL or reported in the Human Gene Mutation Database (HGMD: prior to June 1st, 2018), and was therefore a candidate for classification through an automated scoring system. Utilizing variant allele frequency, disease prevalence and penetrance estimates, and inheritance mode, an automated score was calculated to assess if this variant is too frequent to cause the disease. Based on the score and internal cut-off values, a variant classified as likely benign is not then subjected to further curation. The score for this variant resulted in a classification of likely benign for this disease.

Illumina Laboratory Services, Illumina
Classification: Uncertain significance for Congenital multicore myopathy with external ophthalmoplegia. Last evaluated: 2018-01-12. Review status: criteria provided, single submitter. Criteria: ICSL Variant Classification Criteria 13 December 2019. Collection method: clinical testing. Allele origin: germline.

PreventionGenetics, part of Exact Sciences
Classification: Likely benign. Review status: criteria provided, single submitter. Criteria: ACMG Guidelines, 2015. Collection method: clinical testing. Allele origin: germline.